The following is an entry in ClinVar:

ClinVar aggregate classification (germline): Benign. Review status: criteria provided, multiple submitters, no conflicts (2 of 4 stars). 4 submissions from 4 submitters: Benign (3). 1 of the submissions does not count toward it. Last evaluated 2026-02-03.

Conditions:
Spinocerebellar ataxia 45. Identifiers: Orphanet 589527, MedGen C4540400, MONDO:0033480, OMIM 617769.
FAT2-related disorder. Also called: FAT2-related condition.

Allele frequency attached by ClinVar (database versions not stated): 1000 Genomes Project 0.41953; ExAC 0.46783; gnomAD 0.48546 and 0.49009; 1000 Genomes Project 30x 0.42130; TOPMed 0.47608; ESP Exome Variant Server 0.49646; gnomAD exomes 0.50549.
gnomAD v4.1: 812,585 of 1,613,704 alleles (50%); highest among the groups gnomAD compares: Non-Finnish European, 53%; 207,927 homozygotes.

Submissions (4):

Labcorp Genetics (formerly Invitae), Labcorp
Classification: Benign. Last evaluated: 2026-02-03. Review status: criteria provided, single submitter. Criteria: Invitae Variant Classification Sherloc (09022015). Collection method: clinical testing. Allele origin: germline.

Genome-Nilou Lab
Classification: Benign for Spinocerebellar ataxia 45. Last evaluated: 2021-08-10. Review status: criteria provided, single submitter. Criteria: ACMG Guidelines, 2015. Collection method: clinical testing. Allele origin: germline. Affected: no.

GeneDx
Classification: Benign. Last evaluated: 2021-05-04. Review status: criteria provided, single submitter. Criteria: GeneDx Variant Classification Process June 2021. Collection method: clinical testing. Allele origin: germline. Affected: yes.

PreventionGenetics, part of Exact Sciences
Classification: Benign for FAT2-related condition. Last evaluated: 2019-07-08. Review status: no assertion criteria provided. Collection method: clinical testing. Allele origin: germline. Not counted in ClinVar's aggregate classification.
Comment: This variant is classified as benign based on ACMG/AMP sequence variant interpretation guidelines (Richards et al. 2015 PMID: 25741868, with internal and published modifications).

NM_001447.3(FAT2):c.2361C>T (p.Ile787=)

Gene: FAT2 (FAT atypical cadherin 2; minus strand). Cytogenetic location: 5q33.1.
Variant type: single nucleotide variant.
Coding change: c.2361C>T on transcript NM_001447.3 (MANE Select); coding-DNA position 2361, C replaced by T.
Protein change: p.Ile787=; no amino-acid change (isoleucine 787 retained).
Molecular consequence: synonymous variant.
Genome position (GRCh38, 1-based): chr5:151,566,571, G>A on the plus strand (C>T on the coding strand, the complement: FAT2 is on the minus strand). VCF-style: chr5-151566571-G-A. GRCh37 (hg19) VCF-style: chr5-150946132-G-A.
Identifiers: ClinVar variation 1268601 (VCV001268601.9), dbSNP rs3734059, ClinGen allele CA3522087.